The following is an entry in ClinVar:

NM_000206.3(IL2RG):c.977G>A (p.Ser326Asn)

Gene: IL2RG (interleukin 2 receptor subunit gamma; minus strand). Cytogenetic location: Xq13.1.
Variant type: single nucleotide variant.
Coding change: c.977G>A on transcript NM_000206.3 (MANE Select); coding-DNA position 977, G replaced by A.
Protein change: p.Ser326Asn; replaces serine 326 with asparagine.
Molecular consequence: missense variant.
Genome position (GRCh38, 1-based): chrX:71,107,869, C>T on the plus strand (G>A on the coding strand, the complement: IL2RG is on the minus strand). VCF-style: chrX-71107869-C-T. GRCh37 (hg19) VCF-style: chrX-70327719-C-T.
Other names: NM_000206.3(IL2RG):c.977G>A; p.Ser326Asn; c.977G>A (NM_000206.2); short protein forms S326N.
Identifiers: ClinVar variation 1166432 (VCV001166432.11), dbSNP rs779190567, ClinGen allele CA10443768.

ClinVar aggregate classification (germline): Likely benign. Review status: reviewed by expert panel (3 of 4 stars). 3 submissions from 3 submitters: Likely benign (1). 2 of the submissions do not count toward it. Last evaluated 2023-11-14.

Conditions:
Inborn genetic diseases. Identifiers: MedGen C0950123, MeSH D030342.
X-linked severe combined immunodeficiency (SCIDX1). Also called: IMMUNODEFICIENCY 4; SCID, X-LINKED; SEVERE COMBINED IMMUNODEFICIENCY, X-LINKED, T CELL-NEGATIVE, B CELL-POSITIVE, NK CELL-NEGATIVE; T-B+ severe combined immunodeficiency due to gamma chain deficiency; X-Linked Combined Immunodeficiency Diseases. Identifiers: Orphanet 276, MedGen C6022468, MONDO:0010315, OMIM 300400. Disease mechanism: loss of function.

Allele frequency attached by ClinVar (database versions not stated): ExAC 0.00010; 1000 Genomes Project 30x 0.00021; gnomAD 0.00001 and 0.00003; TOPMed 0.00001; gnomAD exomes 0.00004 and 0.00006; 1000 Genomes Project 0.00026.

Submissions (3):

ClinGen Severe Combined Immunodeficiency Variant Curation Expert Panel, ClinGen
Classification: Likely benign for X-linked severe combined immunodeficiency. Last evaluated: 2023-11-14. Review status: reviewed by expert panel. Criteria: ClinGen SCID ACMG Specifications IL2RG V1.0.0. Collection method: curation. Allele origin: germline. Inheritance: X-linked inheritance.
Comment: The NM_000206.3(IL2RG):c.977G>A (p.Ser326Asn) is a missense variant that has been reported in ClinVar (SCV001722571.2), without patient information, however it has not been reported in the literature to our knowledge. It occurs at an intermediate allele frequency, with a popmax filtering allele frequency in gnomAD v2.1.1 of 0.0003945 (based on 10/14743 alleles in the East Asian population) which is below the SCID VCEP established threshold of >0.00249 for BS1 and above the PM2 threshold of <0.000124. Six adult hemizygous males with this variant are present in the East Asian population in gnomADv2.1.1 (BS2). In summary, this variant is classified as Likely Benign. (VCEP specifications version 1).

Ambry Genetics
Classification: Uncertain significance for Inborn genetic diseases. Last evaluated: 2025-06-09. Review status: criteria provided, single submitter. Criteria: Ambry Variant Classification Scheme 2023. Collection method: clinical testing. Allele origin: germline. Not counted in ClinVar's aggregate classification.

Labcorp Genetics (formerly Invitae), Labcorp
Classification: Benign for X-linked severe combined immunodeficiency. Last evaluated: 2024-08-12. Review status: criteria provided, single submitter. Criteria: Invitae Variant Classification Sherloc (09022015). Collection method: clinical testing. Allele origin: germline. Not counted in ClinVar's aggregate classification.